The following is an entry in ClinVar:

NM_025074.7(FRAS1):c.5373del (p.Ala1792fs)

Gene: FRAS1 (Fraser extracellular matrix complex subunit 1; plus strand). Cytogenetic location: 4q21.21.
Variant type: Deletion.
Coding change: c.5373del on transcript NM_025074.7 (MANE Select); coding-DNA position 5373, one base deleted (A; older notation c.5373delA).
Protein change: p.Ala1792fs; shifts the reading frame from alanine 1792.
Molecular consequence: frameshift variant.
Genome position (GRCh38, 1-based): chr4:78,438,908, A deleted. VCF-style (leftmost placement, unchanged base first): chr4-78438907-CA-C. GRCh37 (hg19) VCF-style: chr4-79360061-CA-C.
Other names: c.5373del, p.Ala1792fs (NM_001166133.2); short protein forms A1792fs.
Identifiers: ClinVar variation 4813734 (VCV004813734.1).

ClinVar aggregate classification (germline): Likely pathogenic (1 of 4 stars; one submission).

Conditions:
Fraser syndrome 1 (FRASRS1). Also called: CRYPTOPHTHALMOS WITH OTHER MALFORMATIONS. Identifiers: Orphanet 2052, MedGen C4551480, MONDO:0054737, OMIM 219000.

Submission:

Variantyx, Inc.
Classification: Likely pathogenic for Fraser syndrome 1. Last evaluated: 2025-08-06. Review status: criteria provided, single submitter. Criteria: Variantyx Assertion Criteria 2022. Collection method: clinical testing. Allele origin: germline. Inheritance: Autosomal recessive inheritance. Affected: no.
Comment: This is a frameshift variant in the FRAS1 gene (OMIM: 607830). Pathogenic variants in this gene have been associated with autosomal recessive Fraser syndrome 1. This variant introduces a premature termination codon in exon 40 out of 74 and is expected to result in loss of function, which is a known disease mechanism for FRAS1 in this disorder (PMID: 12766769, 18671281) (PVS1). This variant is absent from control populations (PM2) and has not been reported in individuals with FRAS1-related disorders in the databases available for review. Based on the current evidence, this variant is classified as likely pathogenic for autosomal recessive Fraser syndrome 1.

Literature cited by the submitters: PubMed 12766769; PubMed 18671281.